The following is an entry in ClinVar:

NM_001110556.2(FLNA):c.1286C>T (p.Thr429Met)

Gene: FLNA (filamin A; minus strand). Cytogenetic location: Xq28.
Variant type: single nucleotide variant.
Coding change: c.1286C>T on transcript NM_001110556.2 (MANE Select); coding-DNA position 1286, C replaced by T.
Protein change: p.Thr429Met; replaces threonine 429 with methionine.
Molecular consequence: missense variant.
Genome position (GRCh38, 1-based): chrX:154,366,167, G>A on the plus strand (C>T on the coding strand, the complement: FLNA is on the minus strand). VCF-style: chrX-154366167-G-A. GRCh37 (hg19) VCF-style: chrX-153594535-G-A.
Other names: p.T429M:ACG>ATG; c.1286C>T, p.Thr429Met (NM_001456.4); short protein forms T429M.
Identifiers: ClinVar variation 93748 (VCV000093748.51), dbSNP rs36051194, ClinGen allele CA285476.

ClinVar aggregate classification (germline): Benign/Likely benign. Review status: criteria provided, multiple submitters, no conflicts (2 of 4 stars). 19 submissions from 19 submitters: Benign (10); Likely benign (4). 5 of the submissions do not count toward it. Last evaluated 2026-03-27.

Conditions:
Heterotopia, periventricular, X-linked dominant (PVNH1). Also called: PERIVENTRICULAR NODULAR HETEROTOPIA 1; X-linked periventricular heterotopia; PERIVENTRICULAR NODULAR HETEROTOPIA 4; HETEROTOPIA, PERIVENTRICULAR, 1. Identifiers: Orphanet 2149, Orphanet 82004, MedGen C1848213, MONDO:0010233, OMIM 300049.
Frontometaphyseal dysplasia (FMD1). Identifiers: Orphanet 1826, MedGen C0265293, MONDO:0015942.
Melnick-Needles syndrome (MNS). Also called: Melnick-Needles Syndrome (FLNA-MNS); MELNICK-NEEDLES OSTEODYSPLASTY; OSTEODYSPLASTY OF MELNICK AND NEEDLES. Identifiers: Orphanet 2484, MedGen C0025237, MONDO:0010650, OMIM 309350.
Oto-palato-digital syndrome, type II (OPD2). Also called: Otopalatodigital Syndrome Type 2 (FLNA-OPD2); OPD II SYNDROME; Otopalatodigital Syndrome, Type II; FACIOPALATOOSSEOUS SYNDROME. Identifiers: Orphanet 669, Orphanet 90652, MedGen C1844696, MONDO:0010571, OMIM 304120.
FLNA-related disorder.
FG syndrome 2 (FGS2). Identifiers: MedGen C1845902, MONDO:0010297, OMIM 300321.
Cardiac valvular dysplasia, X-linked (CVDPX). Also called: Congenital valvular dysplasia; FLNA-Related X-linked Cardiac Valvular Dysplasia; MYXOMATOUS VALVULAR DYSTROPHY, X-LINKED; VALVULAR HEART DISEASE, CONGENITAL; Isolated X-Linked Cardiac Valvular Dysplasia. Identifiers: Orphanet 1864, Orphanet 555877, Orphanet 75497, MedGen C0262436, MONDO:0010753, OMIM 314400.
Intestinal pseudoobstruction, neuronal, chronic idiopathic, X-linked (CIIPX). Also called: INTESTINAL PSEUDOOBSTRUCTION, NEURONAL, CHRONIC IDIOPATHIC, WITH CENTRAL NERVOUS SYSTEM INVOLVEMENT; CONGENITAL IDIOPATHIC INTESTINAL PSEUDOOBSTRUCTION; FLNA-Related Periventricular Nodular Heterotopia (FLNA-Related PVNH; Huttenlocher Syndrome). Identifiers: Orphanet 2301, MedGen C2746068, MONDO:0010232, OMIM 300048.
Terminal osseous dysplasia-pigmentary defects syndrome. Also called: Terminal Osseous Dysplasia (FLNA-TOD); ODPF SYNDROME; OSSEOUS DYSPLASIA, DIGITAL, WITH FACIAL PIGMENTARY DEFECTS AND MULTIPLE FRENULA; ODPD; TERMINAL OSSEOUS DYSPLASIA AND PIGMENTARY DEFECTS. Identifiers: Orphanet 88630, MedGen C1846129, MONDO:0010279, OMIM 300244.
Oto-palato-digital syndrome, type I (OPD1). Also called: Otopalatodigital Syndrome Type 1 (FLNA-OPD1); OPD I SYNDROME; OPD SYNDROME 1; Taybi syndrome; Otopalatodigital Syndrome, Type I. Identifiers: Orphanet 669, Orphanet 90650, MedGen C0265251, MONDO:0010704, OMIM 311300.
Frontometaphyseal dysplasia 1 (FMD1). Also called: Frontometaphyseal Dysplasia (FLNA-FMD). Identifiers: Orphanet 1826, MedGen C4281559, MONDO:0024550, OMIM 305620.
Familial thoracic aortic aneurysm and aortic dissection (TAAD). Also called: Thoracic aortic aneurysms and dissections. Identifiers: Orphanet 91387, MedGen C4707243, MONDO:0019625.

Allele frequency attached by ClinVar (database versions not stated): 1000 Genomes Project 30x 0.00437; TOPMed 0.01076; ESP Exome Variant Server 0.01134; gnomAD 0.01426 and 0.01499; ExAC 0.01528; 1000 Genomes Project 0.00424; gnomAD exomes 0.01512 and 0.01732.
gnomAD v4.1: 20,456 of 1,209,111 alleles (1.7%); highest among the groups gnomAD compares: Non-Finnish European, 1.8%; 168 homozygotes.

Submissions (19):

Molecular Diagnostic Laboratory for Inherited Cardiovascular Disease, Montreal Heart Institute
Classification: Likely benign. Last evaluated: 2026-03-27. Review status: criteria provided, single submitter. Criteria: ACMG Guidelines, 2015. Collection method: clinical testing. Allele origin: germline. Affected: no.
Comment: BS1

Labcorp Genetics (formerly Invitae), Labcorp
Classification: Benign for Oto-palato-digital syndrome, type II; Heterotopia, periventricular, X-linked dominant; Frontometaphyseal dysplasia; Melnick-Needles syndrome. Last evaluated: 2026-02-04. Review status: criteria provided, single submitter. Criteria: Invitae Variant Classification Sherloc (09022015). Collection method: clinical testing. Allele origin: germline.

Mayo Clinic Laboratories, Mayo Clinic
Classification: Benign. Last evaluated: 2025-09-18. Review status: criteria provided, single submitter. Criteria: ACMG Guidelines, 2015. Collection method: clinical testing. Allele origin: germline. Observed: 200 variant alleles.
Comment: BA1, BS2

ARUP Laboratories, Molecular Genetics and Genomics, ARUP Laboratories
Classification: Benign. Last evaluated: 2025-07-01. Review status: criteria provided, single submitter. Criteria: ARUP Molecular Germline Variant Investigation Process 2024. Collection method: clinical testing. Allele origin: germline.

Blueprint Genetics
Classification: Likely benign. Last evaluated: 2024-11-27. Review status: criteria provided, single submitter. Criteria: ACMG Guidelines, 2015. Collection method: clinical testing. Allele origin: germline.

Women's Health and Genetics/Laboratory Corporation of America, LabCorp
Classification: Likely benign. Last evaluated: 2023-07-21. Review status: criteria provided, single submitter. Criteria: LabCorp Variant Classification Summary - May 2015. Collection method: clinical testing. Allele origin: germline.

Fulgent Genetics
Classification: Benign for Intestinal pseudoobstruction, neuronal, chronic idiopathic, X-linked; Heterotopia, periventricular, X-linked dominant; Terminal osseous dysplasia-pigmentary defects syndrome; FG syndrome 2; Oto-palato-digital syndrome, type II; Frontometaphyseal dysplasia 1; Melnick-Needles syndrome; Oto-palato-digital syndrome, type I; Cardiac valvular dysplasia, X-linked. Last evaluated: 2021-11-29. Review status: criteria provided, single submitter. Criteria: ACMG Guidelines, 2015. Collection method: clinical testing. Allele origin: unknown.

Athena Diagnostics
Classification: Benign. Last evaluated: 2018-10-24. Review status: criteria provided, single submitter. Criteria: Athena Diagnostics Criteria. Collection method: clinical testing. Allele origin: germline.

Ambry Genetics
Classification: Benign for Familial thoracic aortic aneurysm and aortic dissection. Last evaluated: 2015-04-16. Review status: criteria provided, single submitter. Criteria: Ambry Variant Classification Scheme 2023. Collection method: clinical testing. Allele origin: germline.

Genetic Services Laboratory, University of Chicago
Classification: Benign. Last evaluated: 2015-02-10. Review status: criteria provided, single submitter. Criteria: ACMG Guidelines, 2015. Collection method: clinical testing. Allele origin: germline.

GeneDx
Classification: Benign. Last evaluated: 2014-06-09. Review status: criteria provided, single submitter. Criteria: GeneDx Variant Classification (06012015). Collection method: clinical testing. Allele origin: germline. Affected: yes.
Comment: This variant is considered likely benign or benign based on one or more of the following criteria: it is a conservative change, it occurs at a poorly conserved position in the protein, it is predicted to be benign by multiple in silico algorithms, and/or has population frequency not consistent with disease.

Eurofins Ntd Llc (ga)
Classification: Benign. Last evaluated: 2013-04-08. Review status: criteria provided, single submitter. Criteria: EGL Classification Definitions 2015. Collection method: clinical testing. Allele origin: germline. Observed: 4 variant alleles, 4 heterozygotes.

Claritas Genomics
Classification: Benign. Last evaluated: 2012-08-20. Review status: criteria provided, single submitter. Criteria: ACMG Guidelines, 2007. Collection method: clinical testing. Allele origin: germline. Inheritance: X-linked inheritance.

Breakthrough Genomics
Classification: Likely benign. Review status: criteria provided, single submitter. Criteria: ACMG Guidelines, 2015. Collection method: not provided. Allele origin: germline. Inheritance: X-linked inheritance. Affected: yes.

PreventionGenetics, part of Exact Sciences
Classification: Benign for FLNA-related condition. Last evaluated: 2019-03-04. Review status: no assertion criteria provided. Collection method: clinical testing. Allele origin: germline. Not counted in ClinVar's aggregate classification.
Comment: This variant is classified as benign based on ACMG/AMP sequence variant interpretation guidelines (Richards et al. 2015 PMID: 25741868, with internal and published modifications).

Clinical Genetics DNA and cytogenetics Diagnostics Lab, Erasmus MC, Erasmus Medical Center
Classification: Benign. Review status: no assertion criteria provided. Collection method: clinical testing. Allele origin: germline. Affected: yes. Study: VKGL Data-share Consensus. Not counted in ClinVar's aggregate classification.

Genome Diagnostics Laboratory, Amsterdam University Medical Center
Classification: Benign. Review status: no assertion criteria provided. Collection method: clinical testing. Allele origin: germline. Affected: yes. Study: VKGL Data-share Consensus. Not counted in ClinVar's aggregate classification.

Joint Genome Diagnostic Labs from Nijmegen and Maastricht, Radboudumc and MUMC+
Classification: Benign. Review status: no assertion criteria provided. Collection method: clinical testing. Allele origin: germline. Affected: yes. Study: VKGL Data-share Consensus. Not counted in ClinVar's aggregate classification.

Laboratory of Diagnostic Genome Analysis, Leiden University Medical Center (LUMC)
Classification: Benign. Review status: no assertion criteria provided. Collection method: clinical testing. Allele origin: germline. Affected: yes. Study: VKGL Data-share Consensus. Not counted in ClinVar's aggregate classification.

Literature cited by the submitters: PubMed 16417552 (cited by Athena Diagnostics); PubMed 10982489 (cited by Athena Diagnostics); PubMed 12612583 (cited by Athena Diagnostics); PubMed 16822260 (cited by Athena Diagnostics); PubMed 22522697 (cited by Athena Diagnostics).